The following is an entry in ClinVar:

ClinVar aggregate classification (germline): Pathogenic (1 of 4 stars; one submission).

Conditions:
Familial temporal lobe epilepsy 7. Identifiers: Orphanet 101046, MedGen C4225327, MONDO:0014639, OMIM 616436.
Norman-Roberts syndrome (LIS2). Also called: Lissencephaly 2 (Norman-Roberts type). Identifiers: Orphanet 89844, MedGen C0796089, MONDO:0009760, OMIM 257320.

Submission:

Labcorp Genetics (formerly Invitae), Labcorp
Classification: Pathogenic for Familial temporal lobe epilepsy 7; Norman-Roberts syndrome. Last evaluated: 2020-09-03. Review status: criteria provided, single submitter. Criteria: Invitae Variant Classification Sherloc (09022015). Collection method: clinical testing. Allele origin: germline.
Comment: This variant has not been reported in the literature in individuals with RELN-related conditions. For these reasons, this variant has been classified as Pathogenic. Loss-of-function variants in RELN are known to be pathogenic (PMID: 10973257, 26046367, 28454995). This variant is not present in population databases (ExAC no frequency). This sequence change creates a premature translational stop signal (p.Asn1397Thrfs*7) in the RELN gene. It is expected to result in an absent or disrupted protein product.

Literature cited by the submitters: PubMed 10973257; PubMed 26046367; PubMed 28454995.

NM_005045.4(RELN):c.4190del (p.Asn1397fs)

Gene: RELN (reelin; minus strand). Cytogenetic location: 7q22.1.
Variant type: Deletion.
Coding change: c.4190del on transcript NM_005045.4 (MANE Select); coding-DNA position 4190, one base deleted (A; older notation c.4190delA).
Protein change: p.Asn1397fs; shifts the reading frame from asparagine 1397.
Molecular consequence: frameshift variant.
Genome position (GRCh38, 1-based): chr7:103,575,661, T deleted on the plus strand (A on the coding strand, the reverse complement: RELN is on the minus strand); the first of 5 consecutive T bases (chr7:103,575,661-103,575,665); deleting any one gives the same sequence. VCF-style (leftmost placement, unchanged base first): chr7-103575660-GT-G. GRCh37 (hg19) VCF-style: chr7-103216107-GT-G.
Other names: c.4190del, p.Asn1397fs (NM_173054.3); short protein forms N1397fs.
Identifiers: ClinVar variation 1074751 (VCV001074751.7), dbSNP rs2117208388, ClinGen allele CA645564388.
Genomic context (GRCh38, chr7:103,575,660, plus strand): 5'-ACTGCAGTAACTGGGACAAGGCTCGGATATGTACACTCCATCTAAACCAAATGGAGGCAC[GT>G]TTTTCTGTGAGCTGCTCTCCTGGATCCATCGGAATCTGGTCTTGCTGTTGGGAAAAACAA-3'